The following is an entry in ClinVar:

ClinVar aggregate classification (germline): Conflicting classifications of pathogenicity. Review status: criteria provided, conflicting classifications (1 of 4 stars). 3 submissions from 3 submitters: Uncertain significance (2); Likely benign (1). Last evaluated 2024-12-02.

Conditions:
Inborn genetic diseases. Identifiers: MedGen C0950123, MeSH D030342.

Allele frequency attached by ClinVar (database versions not stated): gnomAD exomes 0.00001; TOPMed 0.00001; gnomAD 0.00002.
gnomAD v4.1: 32 of 1,614,024 alleles (0.002%); highest among the groups gnomAD compares: South Asian, 0.0055%; 1 homozygote.

Submissions (3):

Labcorp Genetics (formerly Invitae), Labcorp
Classification: Uncertain significance. Last evaluated: 2024-12-02. Review status: criteria provided, single submitter. Criteria: Invitae Variant Classification Sherloc (09022015). Collection method: clinical testing. Allele origin: germline.
Comment: This sequence change replaces arginine, which is basic and polar, with histidine, which is basic and polar, at codon 1947 of the LAMA1 protein (p.Arg1947His). This variant is present in population databases (no rsID available, gnomAD 0.003%). This variant has not been reported in the literature in individuals affected with LAMA1-related conditions. ClinVar contains an entry for this variant (Variation ID: 1391548). Invitae Evidence Modeling of protein sequence and biophysical properties (such as structural, functional, and spatial information, amino acid conservation, physicochemical variation, residue mobility, and thermodynamic stability) indicates that this missense variant is not expected to disrupt LAMA1 protein function with a negative predictive value of 80%. In summary, the available evidence is currently insufficient to determine the role of this variant in disease. Therefore, it has been classified as a Variant of Uncertain Significance.

Ambry Genetics
Classification: Uncertain significance for Inborn genetic diseases. Last evaluated: 2023-06-02. Review status: criteria provided, single submitter. Criteria: Ambry Variant Classification Scheme 2023. Collection method: clinical testing. Allele origin: germline.

Blueprint Genetics
Classification: Likely benign. Last evaluated: 2022-09-28. Review status: criteria provided, single submitter. Criteria: ACMG Guidelines, 2015. Collection method: clinical testing. Allele origin: germline.

NM_005559.4(LAMA1):c.5840G>A (p.Arg1947His)

Gene: LAMA1 (laminin subunit alpha 1; minus strand). Cytogenetic location: 18p11.31.
Variant type: single nucleotide variant.
Coding change: c.5840G>A on transcript NM_005559.4 (MANE Select); coding-DNA position 5840, G replaced by A.
Protein change: p.Arg1947His; replaces arginine 1947 with histidine.
Molecular consequence: missense variant.
Genome position (GRCh38, 1-based): chr18:6,982,547, C>T on the plus strand (G>A on the coding strand, the complement: LAMA1 is on the minus strand). VCF-style: chr18-6982547-C-T. GRCh37 (hg19) VCF-style: chr18-6982546-C-T.
Other names: c.5840G>A (NM_005559.3); short protein forms R1947H.
Identifiers: ClinVar variation 1391548 (VCV001391548.8), dbSNP rs569445597, ClinGen allele CA295759419.